The following is an entry in ClinVar:

NM_001267550.2(TTN):c.43843C>T (p.Pro14615Ser)

Gene: TTN (titin; minus strand). Cytogenetic location: 2q31.2.
Variant type: single nucleotide variant.
Coding change: c.43843C>T on transcript NM_001267550.2 (MANE Select); coding-DNA position 43843, C replaced by T.
Protein change: p.Pro14615Ser; replaces proline 14615 with serine.
Molecular consequence: missense variant.
Genome position (GRCh38, 1-based): chr2:178,631,205, G>A on the plus strand (C>T on the coding strand, the complement: TTN is on the minus strand). VCF-style: chr2-178631205-G-A. GRCh37 (hg19) VCF-style: chr2-179495932-G-A.
Other names: c.38920C>T, p.Pro12974Ser (NM_001256850.1); c.16648C>T, p.Pro5550Ser (NM_003319.4); c.36139C>T, p.Pro12047Ser (NM_133378.4); c.17023C>T, p.Pro5675Ser (NM_133432.3); c.17224C>T, p.Pro5742Ser (NM_133437.4); short protein forms P12047S, P12974S, P14615S, P5550S, P5675S, P5742S.
Identifiers: ClinVar variation 1310403 (VCV001310403.2), dbSNP rs2154220261, ClinGen allele CA349647161.

ClinVar aggregate classification (germline): Uncertain significance (1 of 4 stars; one submission).

Submission:

GeneDx
Classification: Uncertain significance. Last evaluated: 2019-12-11. Review status: criteria provided, single submitter. Criteria: GeneDx Variant Classification Process June 2021. Collection method: clinical testing. Allele origin: germline. Affected: yes.
Comment: Not observed in large population cohorts (Lek et al., 2016); Missense variant in a gene in which most reported pathogenic variants are truncating/loss-of-function; Has not been previously published as pathogenic or benign to our knowledge